The following is an entry in ClinVar:

ClinVar aggregate classification (germline): Uncertain significance (1 of 4 stars; one submission).

Conditions:
Hereditary spastic paraplegia 49 (HSAN9). Also called: TECPR2-Related Hereditary Sensory and Autonomic Neuropathy with Intellectual Disability; NEUROPATHY, HEREDITARY SENSORY AND AUTONOMIC, TYPE IX, WITH DEVELOPMENTAL DELAY; Spastic paraplegia 49, autosomal recessive. Identifiers: Orphanet 320385, MedGen C5190860, MONDO:0014016, OMIM 615031.

Allele frequency attached by ClinVar (database versions not stated): gnomAD 0.00005; ExAC 0.00001; TOPMed 0.00002; gnomAD exomes 0.00003.
gnomAD v4.1: 46 of 1,613,936 alleles (0.0029%); highest among the groups gnomAD compares: South Asian, 0.032%; 2 homozygotes.

Submission:

Labcorp Genetics (formerly Invitae), Labcorp
Classification: Uncertain significance for Hereditary spastic paraplegia 49. Last evaluated: 2022-08-20. Review status: criteria provided, single submitter. Criteria: Invitae Variant Classification Sherloc (09022015). Collection method: clinical testing. Allele origin: germline.
Comment: This sequence change replaces threonine, which is neutral and polar, with methionine, which is neutral and non-polar, at codon 750 of the TECPR2 protein (p.Thr750Met). This variant is present in population databases (rs539749848, gnomAD 0.02%). This variant has not been reported in the literature in individuals affected with TECPR2-related conditions. Algorithms developed to predict the effect of missense changes on protein structure and function output the following: SIFT: "Deleterious"; PolyPhen-2: "Benign"; Align-GVGD: "Class C0". The methionine amino acid residue is found in multiple mammalian species, which suggests that this missense change does not adversely affect protein function. In summary, the available evidence is currently insufficient to determine the role of this variant in disease. Therefore, it has been classified as a Variant of Uncertain Significance.

NM_014844.5(TECPR2):c.2249C>T (p.Thr750Met)

Gene: TECPR2 (tectonin beta-propeller repeat containing 2; plus strand). Cytogenetic location: 14q32.31.
Variant type: single nucleotide variant.
Coding change: c.2249C>T on transcript NM_014844.5 (MANE Select); coding-DNA position 2249, C replaced by T.
Protein change: p.Thr750Met; replaces threonine 750 with methionine.
Molecular consequence: missense variant.
Genome position (GRCh38, 1-based): chr14:102,435,066, C>T. VCF-style: chr14-102435066-C-T. GRCh37 (hg19) VCF-style: chr14-102901403-C-T.
Other names: c.2249C>T, p.Thr750Met (NM_001172631.3); short protein forms T750M.
Identifiers: ClinVar variation 2086077 (VCV002086077.1), dbSNP rs539749848, ClinGen allele CA7357873.